The following is an entry in ClinVar:

ClinVar aggregate classification (germline): Uncertain significance. Review status: criteria provided, multiple submitters, no conflicts (2 of 4 stars). 2 submissions from 2 submitters: Uncertain significance (2). Last evaluated 2023-07-08.

Conditions:
Hereditary cancer-predisposing syndrome. Also called: Neoplastic Syndromes, Hereditary; Hereditary Cancer Syndrome; Hereditary neoplastic syndrome; Tumor predisposition. Identifiers: Orphanet 140162, MedGen C0027672, MeSH D009386, MONDO:0015356.
Familial cancer of breast. Also called: Hereditary breast cancer; hereditary breast carcinoma; BREAST CANCER, FAMILIAL. Identifiers: Orphanet 227535, MedGen C0346153, MONDO:0016419, OMIM 114480. Disease mechanism: loss of function.

Submissions (2):

Labcorp Genetics (formerly Invitae), Labcorp
Classification: Uncertain significance for Familial cancer of breast. Last evaluated: 2023-07-08. Review status: criteria provided, single submitter. Criteria: Invitae Variant Classification Sherloc (09022015). Collection method: clinical testing. Allele origin: germline.
Comment: This sequence change replaces glutamic acid, which is acidic and polar, with glutamine, which is neutral and polar, at codon 107 of the CHEK2 protein (p.Glu107Gln). This variant also falls at the last nucleotide of exon 2, which is part of the consensus splice site for this exon. This variant is not present in population databases (gnomAD no frequency). This variant has not been reported in the literature in individuals affected with CHEK2-related conditions. An algorithm developed to predict the effect of missense changes on protein structure and function (PolyPhen-2) suggests that this variant is likely to be tolerated. Variants that disrupt the consensus splice site are a relatively common cause of aberrant splicing (PMID: 17576681, 9536098). Studies have shown that this missense change is associated with altered splicing resulting in unknown protein product impact (Invitae). In summary, the available evidence is currently insufficient to determine the role of this variant in disease. Therefore, it has been classified as a Variant of Uncertain Significance.

Ambry Genetics
Classification: Uncertain significance for Hereditary cancer-predisposing syndrome. Last evaluated: 2023-04-05. Review status: criteria provided, single submitter. Criteria: Ambry Variant Classification Scheme 2023. Collection method: clinical testing. Allele origin: germline.
Comment: The p.E107Q variant (also known as c.319G>C), located in coding exon 1 of the CHEK2 gene, results from a G to C substitution at nucleotide position 319. The glutamic acid at codon 107 is replaced by glutamine, an amino acid with highly similar properties. However, this change occurs in the last base pair of coding exon 1 and may have some effect on normal mRNA splicing. This nucleotide position is highly conserved in available vertebrate species. In silico splice site analysis for this alteration is inconclusive. This amino acid position is not well conserved in available vertebrate species. In addition, as a missense substitution this alteration is predicted to be tolerated by in silico analysis. Since supporting evidence is limited at this time, the clinical significance of this alteration remains unclear.

Literature cited by the submitters: PubMed 17576681 (cited by Labcorp Genetics (formerly Invitae), Labcorp); PubMed 9536098 (cited by Labcorp Genetics (formerly Invitae), Labcorp).

NM_007194.4(CHEK2):c.319G>C (p.Glu107Gln)

Gene: CHEK2 (checkpoint kinase 2; minus strand). Cytogenetic location: 22q12.1.
Variant type: single nucleotide variant.
Coding change: c.319G>C on transcript NM_007194.4 (MANE Select); coding-DNA position 319, G replaced by C.
Protein change: p.Glu107Gln; replaces glutamic acid 107 with glutamine.
Molecular consequence: missense variant.
Genome position (GRCh38, 1-based): chr22:28,734,403, C>G on the plus strand (G>C on the coding strand, the complement: CHEK2 is on the minus strand). VCF-style: chr22-28734403-C-G. GRCh37 (hg19) VCF-style: chr22-29130391-C-G.
Other names: c.319G>C, p.Glu107Gln (NM_001005735.3, NM_001349956.3, NM_145862.3); c.-459G>C (NM_001257387.3); short protein forms E107Q.
Identifiers: ClinVar variation 2566530 (VCV002566530.5), dbSNP rs775320614, ClinGen allele CA411090159.